The following is an entry in ClinVar:

ClinVar aggregate classification (germline): Uncertain significance (1 of 4 stars; one submission).

Submission:

Labcorp Genetics (formerly Invitae), Labcorp
Classification: Uncertain significance. Last evaluated: 2022-07-06. Review status: criteria provided, single submitter. Criteria: Invitae Variant Classification Sherloc (09022015). Collection method: clinical testing. Allele origin: germline.
Comment: In summary, the available evidence is currently insufficient to determine the role of this variant in disease. Therefore, it has been classified as a Variant of Uncertain Significance. Algorithms developed to predict the effect of missense changes on protein structure and function are either unavailable or do not agree on the potential impact of this missense change (SIFT: "Not Available"; PolyPhen-2: "Probably Damaging"; Align-GVGD: "Not Available"). ClinVar contains an entry for this variant (Variation ID: 1525724). This variant has not been reported in the literature in individuals affected with GINS1-related conditions. This variant is not present in population databases (gnomAD no frequency). This sequence change replaces arginine, which is basic and polar, with glycine, which is neutral and non-polar, at codon 179 of the GINS1 protein (p.Arg179Gly).

NM_021067.5(GINS1):c.535C>G (p.Arg179Gly)

Gene: GINS1 (GINS complex subunit 1; plus strand). Cytogenetic location: 20p11.21.
Variant type: single nucleotide variant.
Coding change: c.535C>G on transcript NM_021067.5 (MANE Select); coding-DNA position 535, C replaced by G.
Protein change: p.Arg179Gly; replaces arginine 179 with glycine.
Molecular consequence: missense variant. On other transcripts: non-coding transcript variant (1).
Genome position (GRCh38, 1-based): chr20:25,445,935, C>G. VCF-style: chr20-25445935-C-G. GRCh37 (hg19) VCF-style: chr20-25426571-C-G.
Other names: short protein forms R179G.
Identifiers: ClinVar variation 1525724 (VCV001525724.8), dbSNP rs1370014203, ClinGen allele CA408452202.